The following is an entry in ClinVar:

NM_007294.4(BRCA1):c.4074_4090del (p.Gln1359fs)

Genes: BRCA1 (BRCA1 DNA repair associated; minus strand), LOC126862571 (BRD4-independent group 4 enhancer GRCh37_chr17:41243136-41244335; plus strand). Cytogenetic location: 17q21.31.
Variant type: Deletion.
Coding change: c.4074_4090del on transcript NM_007294.4 (MANE Select); coding-DNA positions 4074 to 4090, 17 bases deleted (GCAAAGCATGGATTCAA).
Protein change: p.Gln1359fs; shifts the reading frame from glutamine 1359.
Molecular consequence: frameshift variant. On other transcripts: intron variant (135).
Genome position (GRCh38, 1-based): chr17:43,091,441-43,091,457, TTGAATCCATGCTTTGC deleted on the plus strand (GCAAAGCATGGATTCAA on the coding strand, the reverse complement: BRCA1 is on the minus strand); deleting any 17 consecutive bases within chr17:43,091,441-43,091,458 gives the same sequence; the c. name uses the placement nearest the transcript's 3' end. VCF-style (leftmost placement, unchanged base first): chr17-43091440-TTTGAATCCATGCTTTGC-T. GRCh37 (hg19) VCF-style: chr17-41243457-TTTGAATCCATGCTTTGC-T.
Other names: 4193_4209del17; c.3930_3946del, p.Gln1311fs (NM_001407849.1, NM_001407943.1, NM_001407964.1 and 20 more transcripts); c.3933_3949del, p.Gln1312fs (NM_001407850.1, NM_001407851.1, NM_001407852.1 and 29 more transcripts); c.3861_3877del, p.Gln1288fs (NM_001407853.1, NM_001407894.1, NM_001407895.1 and 9 more transcripts); c.4074_4090del, p.Gln1359fs (NM_001407854.1, NM_001407858.1, NM_001407859.1 and 30 more transcripts); c.4071_4087del, p.Gln1358fs (NM_001407860.1, NM_001407861.1, NM_001407587.1 and 22 more transcripts); c.3873_3889del, p.Gln1292fs (NM_001407862.1); c.3951_3967del, p.Gln1318fs (NM_001407863.1, NM_001407919.1, NM_001407937.1 and 19 more transcripts); and 43 more; short protein forms Q1312fs, Q1359fs, Q1289fs, Q1333fs, Q1063fs, Q1231fs, Q1270fs, Q1271fs.
Identifiers: ClinVar variation 266440 (VCV000266440.6), dbSNP rs886040198, ClinGen allele CA10589692.

ClinVar aggregate classification (germline): Pathogenic. Review status: reviewed by expert panel (3 of 4 stars). 2 submissions from 2 submitters: Pathogenic (1). 1 of the submissions does not count toward it. Last evaluated 2016-10-18.

Conditions:
Breast-ovarian cancer, familial, susceptibility to, 1 (BROVCA1). Also called: BRCA1 Hereditary Breast and Ovarian Cancer; OVARIAN CANCER, SUSCEPTIBILITY TO. Identifiers: Orphanet 145, MedGen C2676676, MONDO:0011450, OMIM 604370. Disease mechanism: loss of function.

Submissions (2):

Evidence-based Network for the Interpretation of Germline Mutant Alleles (ENIGMA)
Classification: Pathogenic for Breast-ovarian cancer, familial, susceptibility to, 1. Last evaluated: 2016-10-18. Review status: reviewed by expert panel. Criteria: ENIGMA BRCA1/2 Classification Criteria (2015). Collection method: curation. Allele origin: germline.
Comment: Variant allele predicted to encode a truncated non-functional protein.

Consortium of Investigators of Modifiers of BRCA1/2 (CIMBA), c/o University of Cambridge
Classification: Pathogenic for Breast-ovarian cancer, familial, susceptibility to, 1. Last evaluated: 2015-10-02. Review status: criteria provided, single submitter. Criteria: CIMBA Mutation Classification guidelines May 2016. Collection method: clinical testing. Allele origin: germline. Not counted in ClinVar's aggregate classification.